The following is an entry in ClinVar:

NM_001375524.1(TRRAP):c.376G>T (p.Glu126Ter)

Gene: TRRAP (transformation/transcription domain associated protein; plus strand). Cytogenetic location: 7q22.1.
Variant type: single nucleotide variant.
Coding change: c.376G>T on transcript NM_001375524.1 (MANE Select); coding-DNA position 376, G replaced by T.
Protein change: p.Glu126Ter; replaces glutamic acid 126 with a stop codon.
Molecular consequence: nonsense.
Genome position (GRCh38, 1-based): chr7:98,893,807, G>T. VCF-style: chr7-98893807-G-T. GRCh37 (hg19) VCF-style: chr7-98491430-G-T.
Other names: c.376G>T, p.Glu126Ter (NM_001244580.2, NM_003496.4); short protein forms E126*.
Identifiers: ClinVar variation 3897287 (VCV003897287.1).

ClinVar aggregate classification (germline): Uncertain significance (1 of 4 stars; one submission).

Submission:

GeneDx
Classification: Uncertain significance. Last evaluated: 2024-10-31. Review status: criteria provided, single submitter. Criteria: GeneDx Variant Classification Process June 2021. Collection method: clinical testing. Allele origin: germline. Affected: yes.
Comment: Not observed at significant frequency in large population cohorts (gnomAD); Nonsense variant predicted to result in protein truncation or nonsense mediated decay in a gene or region of a gene for which loss of function is not a well-established mechanism of disease; Has not been previously published as pathogenic or benign to our knowledge